The following is an entry in ClinVar:

ClinVar aggregate classification (germline): Conflicting classifications of pathogenicity. Review status: criteria provided, conflicting classifications (1 of 4 stars). 4 submissions from 4 submitters: Uncertain significance (3); Likely benign (1). Last evaluated 2025-10-14.
ClinVar aggregate classification (somatic clinical impact): Tier II - Potential (1 of 4 stars; one submission).

Conditions:
Hereditary cancer-predisposing syndrome. Also called: Neoplastic Syndromes, Hereditary; Tumor predisposition; Hereditary Cancer Syndrome; Hereditary neoplastic syndrome. Identifiers: Orphanet 140162, MedGen C0027672, MeSH D009386, MONDO:0015356.
Diffuse midline glioma, H3 K27M-mutant. Identifiers: MedGen C4289688, MONDO:0957196.

Allele frequency attached by ClinVar (database versions not stated): ExAC 0.00002; gnomAD exomes 0.00002; gnomAD 0.00003 and 0.00004; TOPMed 0.00005; ESP Exome Variant Server 0.00008.
gnomAD v4.1: 30 of 1,607,968 alleles (0.0019%); highest among the groups gnomAD compares: Non-Finnish European, 0.002%; no homozygotes.

Submissions (5):

Women's Health and Genetics/Laboratory Corporation of America, LabCorp
Classification: Uncertain significance. Last evaluated: 2025-10-14. Review status: criteria provided, single submitter. Criteria: LabCorp Variant Classification Summary - May 2015. Collection method: clinical testing. Allele origin: germline.
Comment: Variant summary: RAD50 c.205G>A (p.Asp69Asn) results in a conservative amino acid change in the encoded protein sequence. Algorithms developed to predict the effect of missense changes on protein structure and function are either unavailable or do not agree on the potential impact of this missense change. The variant allele was found at a frequency of 2.4e-05 in 250134 control chromosomes. The available data on variant occurrences in the general population are insufficient to allow any conclusion about variant significance. To our knowledge, no occurrence of c.205G>A in individuals affected with RAD50-related conditions has been reported. At least one publication reports experimental evidence evaluating an impact on protein function in a yeast model system (noted as "D67N" therein due to ortholog nomenclature), however, does not allow convincing conclusions about the variant effect (Hohl_2020). The following publications have been ascertained in the context of this evaluation (PMID: 32187176, 37842841, 34074070, 35359396, 32668560, 31921681). ClinVar contains an entry for this variant (Variation ID: 186347). Based on the evidence outlined above, the variant was classified as uncertain significance.

Labcorp Genetics (formerly Invitae), Labcorp
Classification: Uncertain significance for Hereditary cancer-predisposing syndrome. Last evaluated: 2025-08-11. Review status: criteria provided, single submitter. Criteria: Invitae Variant Classification Sherloc (09022015). Collection method: clinical testing. Allele origin: germline.
Comment: This sequence change replaces aspartic acid, which is acidic and polar, with asparagine, which is neutral and polar, at codon 69 of the RAD50 protein (p.Asp69Asn). This variant is present in population databases (rs370769989, gnomAD 0.005%). This variant has not been reported in the literature in individuals affected with RAD50-related conditions. ClinVar contains an entry for this variant (Variation ID: 186347). Invitae Evidence Modeling of protein sequence and biophysical properties (such as structural, functional, and spatial information, amino acid conservation, physicochemical variation, residue mobility, and thermodynamic stability) indicates that this missense variant is expected to disrupt RAD50 protein function with a positive predictive value of 80%. In summary, the available evidence is currently insufficient to determine the role of this variant in disease. Therefore, it has been classified as a Variant of Uncertain Significance.

Institute for Genomic Medicine (IGM) Clinical Laboratory, Nationwide Children's Hospital
Classification: Tier II - Potential for Diffuse midline glioma, H3 K27M-mutant. Assertion type: diagnostic. Clinical significance: supports diagnosis. Last evaluated: 2025-02-25. Review status: criteria provided, single submitter. Criteria: AMP/ASCO/CAP Guidelines, 2017. Collection method: clinical testing. Allele origin: somatic. Affected: yes.
Comment: Variant has Tier II (potential) clinical significance as a diagnostic inclusion criterion in diffuse midline glioma, H3 K27M-mutant, based on the following evidence: 1) Documented in one or more cancer databases (e.g., St. Jude Pecan, COSMIC, CIViC, OncoKB). 2) Information in the literature supports potential biologic effect of variant (PMID: 32187176). 3) Assists in diagnosis alone or along with other biomarkers based on small studies or few case reports (Evidence Level D; PMIDs: 32187176, 24705251, 28966033).

Quest Diagnostics Nichols Institute San Juan Capistrano
Classification: Uncertain significance. Last evaluated: 2023-08-19. Review status: criteria provided, single submitter. Criteria: Quest Diagnostics criteria. Collection method: clinical testing. Allele origin: unknown.
Comment: In a large case-control study, this variant has been reported in one individual with breast cancer and none of the unaffected controls (PMID: 33471991 (2021), see also LOVD). The frequency of this variant in the general population, 0.000044 (5/113348 chromosomes (Genome Aggregation Database)), is uninformative in the assessment of its pathogenicity. Analysis of this variant using bioinformatics tools for the prediction of the effect of amino acid changes on protein structure and function yielded conflicting predictions that this variant is benign or damaging. Based on the available information, we are unable to determine the clinical significance of this variant.

Ambry Genetics
Classification: Likely benign for Hereditary cancer-predisposing syndrome. Last evaluated: 2018-09-18. Review status: criteria provided, single submitter. Criteria: Ambry Variant Classification Scheme 2023. Collection method: clinical testing. Allele origin: germline.

Literature cited by the submitters: PubMed 31921681 (cited by Women's Health and Genetics/Laboratory Corporation of America, LabCorp); PubMed 32668560 (cited by Women's Health and Genetics/Laboratory Corporation of America, LabCorp and Quest Diagnostics Nichols Institute San Juan Capistrano); PubMed 37842841 (cited by Women's Health and Genetics/Laboratory Corporation of America, LabCorp); PubMed 34074070 (cited by Women's Health and Genetics/Laboratory Corporation of America, LabCorp); PubMed 35359396 (cited by Women's Health and Genetics/Laboratory Corporation of America, LabCorp); PubMed 32187176 (cited by 3 submitters); PubMed 24705251 (cited by Institute for Genomic Medicine (IGM) Clinical Laboratory, Nationwide Children's Hospital); PubMed 28966033 (cited by Institute for Genomic Medicine (IGM) Clinical Laboratory, Nationwide Children's Hospital); PubMed 32313009 (cited by Quest Diagnostics Nichols Institute San Juan Capistrano); PubMed 30311369 (cited by Quest Diagnostics Nichols Institute San Juan Capistrano); PubMed 36818284 (cited by Quest Diagnostics Nichols Institute San Juan Capistrano); PubMed 32832836 (cited by Quest Diagnostics Nichols Institute San Juan Capistrano); PubMed 33471991 (cited by Quest Diagnostics Nichols Institute San Juan Capistrano).

NM_005732.4(RAD50):c.205G>A (p.Asp69Asn)

Gene: RAD50 (RAD50 double strand break repair protein; plus strand). Cytogenetic location: 5q31.1.
Variant type: single nucleotide variant.
Coding change: c.205G>A on transcript NM_005732.4 (MANE Select); coding-DNA position 205, G replaced by A.
Protein change: p.Asp69Asn; replaces aspartic acid 69 with asparagine.
Molecular consequence: missense variant.
Genome position (GRCh38, 1-based): chr5:132,559,359, G>A. VCF-style: chr5-132559359-G-A. GRCh37 (hg19) VCF-style: chr5-131895051-G-A.
Other names: short protein forms D69N.
Identifiers: ClinVar variation 186347 (VCV000186347.18), dbSNP rs370769989, ClinGen allele CA194548.
Genomic context (GRCh38, chr5:132,559,359, plus strand): 5'-CTAAAATATATTTGTACTGGAGATTTCCCTCCTGGAACCAAAGGAAATACATTTGTACAC[G>A]ATCCCAAGGTAATGGTGCTAGTACAATTTTGTATTTTTATAATTATAAAAATGATAATAG-3'
Protein context (NP_005723.2, residues 59-79): PGTKGNTFVH[Asp69Asn]PKVAQETDVR